The following is an entry in ClinVar:

ClinVar aggregate classification (germline): Uncertain significance. Review status: criteria provided, multiple submitters, no conflicts (2 of 4 stars). 3 submissions from 3 submitters: Uncertain significance (3). Last evaluated 2024-06-15.

Conditions:
Colorectal cancer, susceptibility to, 1. Also called: COLORECTAL ADENOMA AND CANCER, SUSCEPTIBILITY TO; COLORECTAL CANCER, SUSCEPTIBILITY TO, ON CHROMOSOME 9. Identifiers: MedGen C1837315, MONDO:0012132, OMIM 608812.

Allele frequency attached by ClinVar (database versions not stated): gnomAD 0.00001.

Submissions (3):

Ambry Genetics
Classification: Uncertain significance. Last evaluated: 2024-06-15. Review status: criteria provided, single submitter. Criteria: Ambry Variant Classification Scheme 2023. Collection method: clinical testing. Allele origin: germline.
Comment: The p.L22F variant (also known as c.66G>T), located in coding exon 1 of the GALNT12 gene, results from a G to T substitution at nucleotide position 66. The leucine at codon 22 is replaced by phenylalanine, an amino acid with highly similar properties. This amino acid position is well conserved in available vertebrate species. In addition, this alteration is predicted to be tolerated by in silico analysis. The evidence for this gene-disease relationship is limited; therefore, the clinical significance of this alteration is unclear.

Baylor Genetics
Classification: Uncertain significance for Colorectal cancer, susceptibility to, 1. Last evaluated: 2023-08-22. Review status: criteria provided, single submitter. Criteria: ACMG Guidelines, 2015. Collection method: clinical testing. Allele origin: unknown.

Labcorp Genetics (formerly Invitae), Labcorp
Classification: Uncertain significance. Last evaluated: 2020-07-01. Review status: criteria provided, single submitter. Criteria: Invitae Variant Classification Sherloc (09022015). Collection method: clinical testing. Allele origin: germline.
Comment: In summary, the available evidence is currently insufficient to determine the role of this variant in disease. Therefore, it has been classified as a Variant of Uncertain Significance. Algorithms developed to predict the effect of missense changes on protein structure and function (SIFT, PolyPhen-2, Align-GVGD) all suggest that this variant is likely to be tolerated, but these predictions have not been confirmed by published functional studies and their clinical significance is uncertain. This variant has not been reported in the literature in individuals with GALNT12-related conditions. The frequency data for this variant in the population databases is considered unreliable, as metrics indicate insufficient coverage at this position in the ExAC database. This sequence change replaces leucine with phenylalanine at codon 22 of the GALNT12 protein (p.Leu22Phe). The leucine residue is weakly conserved and there is a small physicochemical difference between leucine and phenylalanine.

NM_024642.5(GALNT12):c.66G>T (p.Leu22Phe)

Genes: GALNT12 (polypeptide N-acetylgalactosaminyltransferase 12; plus strand), LOC130002222 (ATAC-STARR-seq lymphoblastoid silent region 20123; plus strand). Cytogenetic location: 9q22.33.
Variant type: single nucleotide variant.
Coding change: c.66G>T on transcript NM_024642.5 (MANE Select); coding-DNA position 66, G replaced by T.
Protein change: p.Leu22Phe; replaces leucine 22 with phenylalanine.
Molecular consequence: missense variant.
Genome position (GRCh38, 1-based): chr9:98,807,764, G>T. VCF-style: chr9-98807764-G-T. GRCh37 (hg19) VCF-style: chr9-101570046-G-T.
Other names: short protein forms L22F.
Identifiers: ClinVar variation 1022942 (VCV001022942.13), dbSNP rs1835406598, ClinGen allele CA374222171.